The following is an entry in ClinVar:

NM_004006.3(DMD):c.10129A>T (p.Lys3377Ter)

Gene: DMD (dystrophin; minus strand). Cytogenetic location: Xp21.2.
Variant type: single nucleotide variant.
Coding change: c.10129A>T on transcript NM_004006.3 (MANE Select); coding-DNA position 10129, A replaced by T.
Protein change: p.Lys3377Ter; replaces lysine 3377 with a stop codon.
Molecular consequence: nonsense.
Genome position (GRCh38, 1-based): chrX:31,178,763, T>A on the plus strand (A>T on the coding strand, the complement: DMD is on the minus strand). VCF-style: chrX-31178763-T-A. GRCh37 (hg19) VCF-style: chrX-31196880-T-A.
Other names: c.10105A>T, p.Lys3369Ter (NM_000109.4); c.10117A>T, p.Lys3373Ter (NM_004009.3); c.9760A>T, p.Lys3254Ter (NM_004010.3); c.6106A>T, p.Lys2036Ter (NM_004011.4); c.6097A>T, p.Lys2033Ter (NM_004012.4); c.2749A>T, p.Lys917Ter (NM_004013.3, NM_004020.4, NM_004021.3 and 2 more transcripts); c.1942A>T, p.Lys648Ter (NM_004014.3); c.925A>T, p.Lys309Ter (NM_004015.3, NM_004016.3, NM_004017.3 and 2 more transcripts); short protein forms K3254*, K2033*, K3369*, K3373*, K309*, K648*, K917*, K2036*.
Identifiers: ClinVar variation 3724137 (VCV003724137.2).
Genomic context (GRCh38, chrX:31,178,763, plus strand): 5'-CTGGCAGGTAGCCCATTCGGGGATGCTTCGCAAAATACCTTTTGGTTCGAAATTTGTTTT[T>A]TAGTACCTTGGCAAAGTCTCGAACATCTTCTCCTGATGTAGTCTAAAAGGGAGATCATGG-3'

ClinVar aggregate classification (germline): Pathogenic (1 of 4 stars; one submission).

Conditions:
Duchenne muscular dystrophy (DMD). Also called: Duchenne Muscular Dystrophy (DMD); MUSCULAR DYSTROPHY, PSEUDOHYPERTROPHIC PROGRESSIVE, DUCHENNE TYPE. Identifiers: Orphanet 98896, MedGen C0013264, MONDO:0010679, OMIM 310200.

Submission:

Labcorp Genetics (formerly Invitae), Labcorp
Classification: Pathogenic for Duchenne muscular dystrophy. Last evaluated: 2024-11-05. Review status: criteria provided, single submitter. Criteria: Invitae Variant Classification Sherloc (09022015). Collection method: clinical testing. Allele origin: germline.
Comment: This sequence change creates a premature translational stop signal (p.Lys3377*) in the DMD gene. It is expected to result in an absent or disrupted protein product. Loss-of-function variants in DMD are known to be pathogenic (PMID: 16770791, 25007885). This variant is not present in population databases (gnomAD no frequency). This premature translational stop signal has been observed in individual(s) with DMD-related muscular dystrophy (PMID: 27363342, 34297739). For these reasons, this variant has been classified as Pathogenic.

Literature cited by the submitters: PubMed 16770791; PubMed 25007885; PubMed 27363342; PubMed 34297739.